The following is an entry in ClinVar:

NM_000089.4(COL1A2):c.3106G>C (p.Gly1036Arg)

Gene: COL1A2 (collagen type I alpha 2 chain; plus strand). Cytogenetic location: 7q21.3.
Variant type: single nucleotide variant.
Coding change: c.3106G>C on transcript NM_000089.4 (MANE Select); coding-DNA position 3106, G replaced by C.
Protein change: p.Gly1036Arg; replaces glycine 1036 with arginine.
Molecular consequence: missense variant.
Genome position (GRCh38, 1-based): chr7:94,427,008, G>C. VCF-style: chr7-94427008-G-C. GRCh37 (hg19) VCF-style: chr7-94056320-G-C.
Other names: c.3106G>C (LRG_2t1); short protein forms G1036R.
Identifiers: ClinVar variation 425657 (VCV000425657.4), dbSNP rs72659325, ClinGen allele CA162940630.
Genomic context (GRCh38, chr7:94,427,008, plus strand): 5'-AAAAAATATGTCTCTTGACATGTGCTCTGAAAGTGTGATTTTCCTCTTCTGTCTTTAAAG[G>C]GTCACCATGGTGATCAAGGTGCTCCTGGCTCCGTGGGTCCTGCTGGTCCTAGGGTAGGTG-3'
Protein context (NP_000080.2, residues 1026-1046): NGLQGLPGIA[Gly1036Arg]HHGDQGAPGS

ClinVar aggregate classification (germline): Pathogenic. Review status: criteria provided, single submitter (1 of 4 stars). 4 submissions from 4 submitters: Pathogenic (1). 3 of the submissions do not count toward it. Last evaluated 2025-12-01.

Conditions:
Ehlers-Danlos syndrome, classic type, 1 (EDSCL1). Also called: EHLERS-DANLOS SYNDROME, GRAVIS TYPE; EHLERS-DANLOS SYNDROME, SEVERE CLASSIC TYPE; EDS I; Ehlers-Danlos Syndrome, Classic Type, COL5A1-Related; Ehlers-Danlos syndrome, type 1. Identifiers: MedGen C0268335, MONDO:0019567, OMIM 130000.
Osteogenesis imperfecta type I (OI1). Also called: OI, TYPE I; OSTEOGENESIS IMPERFECTA TARDA; OSTEOGENESIS IMPERFECTA WITH BLUE SCLERAE; Classic Non-deforming Osteogenesis Imperfecta with Blue Sclerae; Lobstein disease; Osteogenesis imperfecta type 1. Identifiers: Orphanet 216796, Orphanet 666, MedGen C0023931, MONDO:0008146, OMIM 166200. Disease mechanism: loss of function.
Osteogenesis imperfecta with normal sclerae, dominant form (OI4). Also called: OSTEOGENESIS IMPERFECTA WITH NORMAL SCLERAE; OSTEOGENESIS IMPERFECTA, TYPE IV, WITH DENTINOGENESIS IMPERFECTA; Common Variable Osteogenesis Imperfecta with Normal Sclerae; Osteogenesis Imperfecta Type IV; Osteogenesis imperfecta type 4. Identifiers: Orphanet 216820, Orphanet 666, MedGen C0268363, MONDO:0008148, OMIM 166220.
Short fetal femur length. Identifiers: MedGen C0743924, HP:0011428.

Submissions (4):

Labcorp Genetics (formerly Invitae), Labcorp
Classification: Pathogenic for Osteogenesis imperfecta type I; Ehlers-Danlos syndrome, classic type, 1. Last evaluated: 2025-12-01. Review status: criteria provided, single submitter. Criteria: Invitae Variant Classification Sherloc (09022015). Collection method: clinical testing. Allele origin: germline.
Comment: This sequence change replaces glycine, which is neutral and non-polar, with arginine, which is basic and polar, at codon 1036 of the COL1A2 protein (p.Gly1036Arg). This variant is not present in population databases (gnomAD no frequency). This missense change has been observed in individuals with autosomal dominant osteogenesis imperfecta (PMID: 17078022, 27510842). ClinVar contains an entry for this variant (Variation ID: 425657). Experimental studies and prediction algorithms are not available or were not evaluated, and the functional significance of this variant is currently unknown. Algorithms developed to predict the effect of sequence changes on RNA splicing suggest that this variant may disrupt the consensus splice site. This variant disrupts the triple helix domain of COL1A2. Glycine residues within the Gly-Xaa-Yaa repeats of the triple helix domain are required for the structure and stability of fibrillar collagens (PMID: 7695699, 8218237, 19344236). In COL1A2, variants affecting these glycine residues are significantly enriched in individuals with disease (PMID: 9016532, 17078022) compared to the general population (ExAC). This variant disrupts the p.Gly1036 amino acid residue in COL1A2. Other variant(s) that disrupt this residue have been observed in individuals with COL1A2-related conditions (PMID: 26402641, 30715774), which suggests that this may be a clinically significant amino acid residue. For these reasons, this variant has been classified as Pathogenic.

Department of Genetics, Beijing BioBiggen Technology Co., Ltd.
Classification: Pathogenic for Short fetal femur length. Last evaluated: 2022-06-29. Review status: no assertion criteria provided. Collection method: research. Allele origin: germline. Affected: yes. Not counted in ClinVar's aggregate classification.

Institute Of Reproduction And Development, Obstetrics and Gynecology Hospital, Fudan University
Classification: Pathogenic. Last evaluated: 2021-07-21. Review status: no assertion criteria provided. Collection method: research. Allele origin: germline. Affected: yes. Not counted in ClinVar's aggregate classification.

Department of Medical Sciences, Uppsala University
Classification: Pathogenic for OI type IV. Review status: no assertion criteria provided. Collection method: clinical testing. Allele origin: unknown. Affected: yes. Observed: 1 variant allele. Not counted in ClinVar's aggregate classification.

Literature cited by the submitters: PubMed 17078022 (cited by Labcorp Genetics (formerly Invitae), Labcorp); PubMed 27510842 (cited by Labcorp Genetics (formerly Invitae), Labcorp); PubMed 7695699 (cited by Labcorp Genetics (formerly Invitae), Labcorp); PubMed 8218237 (cited by Labcorp Genetics (formerly Invitae), Labcorp); PubMed 19344236 (cited by Labcorp Genetics (formerly Invitae), Labcorp); PubMed 9016532 (cited by Labcorp Genetics (formerly Invitae), Labcorp); PubMed 26402641 (cited by Labcorp Genetics (formerly Invitae), Labcorp); PubMed 30715774 (cited by Labcorp Genetics (formerly Invitae), Labcorp); PubMed 25944380 (cited by Department of Medical Sciences, Uppsala University).